The following is an entry in ClinVar:

ClinVar aggregate classification (germline): Uncertain significance (1 of 4 stars; one submission).

Conditions:
Early-infantile DEE. Also called: Early infantile epileptic encephalopathy; Early infantile epileptic encephalopathy with suppression bursts; Ohtahara syndrome. Identifiers: Orphanet 1934, MedGen C0393706, MONDO:0800491.

Submission:

Labcorp Genetics (formerly Invitae), Labcorp
Classification: Uncertain significance for Early-infantile DEE. Last evaluated: 2025-06-14. Review status: criteria provided, single submitter. Criteria: Invitae Variant Classification Sherloc (09022015). Collection method: clinical testing. Allele origin: germline.
Comment: This sequence change falls in intron 20 of the SCN1A gene. It does not directly change the encoded amino acid sequence of the SCN1A protein. However, this sequence change falls within a region encompassing a cryptic exon in the SCN1A gene, in which variants have been shown to alter splicing (PMID: 30526861, 34107977). This variant is not present in population databases (gnomAD no frequency). This variant has not been reported in the literature in individuals affected with SCN1A-related conditions. In summary, the available evidence is currently insufficient to determine the role of this variant in disease. Therefore, it has been classified as a Variant of Uncertain Significance.

Literature cited by the submitters: PubMed 30526861; PubMed 34107977.

NM_001165963.4(SCN1A):c.4002+2638T>C

Genes: SCN1A (sodium voltage-gated channel alpha subunit 1; minus strand), LOC102724058 (uncharacterized LOC102724058; plus strand). Cytogenetic location: 2q24.3.
Variant type: single nucleotide variant.
Coding change: c.4002+2638T>C on transcript NM_001165963.4 (MANE Select); 2638 bases into the intron after coding-DNA position 4002, T replaced by C.
Molecular consequence: intron variant.
Genome position (GRCh38, 1-based): chr2:166,007,081, A>G on the plus strand (T>C on the coding strand, the complement: SCN1A is on the minus strand). VCF-style: chr2-166007081-A-G. GRCh37 (hg19) VCF-style: chr2-166863591-A-G.
Other names: c.3969+2638T>C (NM_001353949.2, NM_001353950.2, NM_001353951.2 and 2 more transcripts); c.3918+2638T>C (NM_001353958.2, NM_001353957.2, NM_001165964.3); c.4002+2638T>C (NM_001202435.3, NM_001353948.2); c.3966+2638T>C (NM_001353955.2, NM_001353954.2); c.3915+2638T>C (NM_001353960.2); c.1560+2638T>C (NM_001353961.2).
Identifiers: ClinVar variation 4803441 (VCV004803441.1).
Genomic context (GRCh38, chr2:166,007,081, plus strand): 5'-GGGGTTAAAATCCACAGAGGGTAAATTCATAAAGGTTTTTTTTTTTTTCAAATGAAATTT[A>G]AGACAATTGAAAAGAGGGGATTAGGATGTAAATAATGTATTTTCCCTACTGTGGTGCAAT-3'